The following is an entry in ClinVar:

NM_024529.5(CDC73):c.226C>T (p.Arg76Ter)

Gene: CDC73 (cell division cycle 73; plus strand). Cytogenetic location: 1q31.2.
Variant type: single nucleotide variant.
Coding change: c.226C>T on transcript NM_024529.5 (MANE Select); coding-DNA position 226, C replaced by T.
Protein change: p.Arg76Ter; replaces arginine 76 with a stop codon.
Molecular consequence: nonsense.
Genome position (GRCh38, 1-based): chr1:193,125,206, C>T. VCF-style: chr1-193125206-C-T. GRCh37 (hg19) VCF-style: chr1-193094336-C-T.
Other names: short protein forms R76*.
Identifiers: ClinVar variation 279741 (VCV000279741.13), dbSNP rs886041158, ClinGen allele CA10602771.

ClinVar aggregate classification (germline): Pathogenic. Review status: criteria provided, multiple submitters, no conflicts (2 of 4 stars). 4 submissions from 4 submitters: Pathogenic (4). Last evaluated 2025-11-11.

Conditions:
Hereditary cancer-predisposing syndrome. Also called: Hereditary neoplastic syndrome; Neoplastic Syndromes, Hereditary; Tumor predisposition; Hereditary Cancer Syndrome. Identifiers: Orphanet 140162, MedGen C0027672, MeSH D009386, MONDO:0015356.
Parathyroid carcinoma (PRTC). Also called: Parathyroid gland carcinoma; CDC73-Related Parathyroid Carcinoma. Identifiers: Orphanet 143, MedGen C0687150, MONDO:0012004, OMIM 608266, HP:0006780.
Hyperparathyroidism 2 with jaw tumors. Also called: Hyperparathyroidism 2; HYPERPARATHYROIDISM, FAMILIAL PRIMARY, WITH MULTIPLE OSSIFYING JAW FIBROMAS; HYPERPARATHYROIDISM-JAW TUMOR SYNDROME, HEREDITARY; Hyperparathyroidism-Jaw Tumor Syndrome. Identifiers: Orphanet 99880, MedGen C1704981, MONDO:0007768, OMIM 145001.

Allele frequency attached by ClinVar (database versions not stated): gnomAD 0.00001.

Submissions (4):

Labcorp Genetics (formerly Invitae), Labcorp
Classification: Pathogenic for Parathyroid carcinoma. Last evaluated: 2025-11-11. Review status: criteria provided, single submitter. Criteria: Invitae Variant Classification Sherloc (09022015). Collection method: clinical testing. Allele origin: germline.
Comment: This sequence change creates a premature translational stop signal (p.Arg76*) in the CDC73 gene. It is expected to result in an absent or disrupted protein product. Loss-of-function variants in CDC73 are known to be pathogenic (PMID: 12434154). This variant is not present in population databases (gnomAD no frequency). This premature translational stop signal has been observed in individual(s) with parathyroid cancer and familial isolated hyperparathyroidism (PMID: 21360064, 21732217, 25444225, 29040582). ClinVar contains an entry for this variant (Variation ID: 279741). For these reasons, this variant has been classified as Pathogenic.

Ambry Genetics
Classification: Pathogenic for Hereditary cancer-predisposing syndrome. Last evaluated: 2023-09-28. Review status: criteria provided, single submitter. Criteria: Ambry Variant Classification Scheme 2023. Collection method: clinical testing. Allele origin: germline.
Comment: The p.R76* pathogenic mutation (also known as c.226C>T), located in coding exon 2 of the CDC73 gene, results from a C to T substitution at nucleotide position 226. This changes the amino acid from an arginine to a stop codon within coding exon 2. This alteration has been identified in multiple individuals diagnosed with parathyroid carcinoma (Cavaco BM et al. Endocr Pathol, 2011 Mar;22:44-52; Siu WK et al. Fam Cancer, 2011 Dec;10:695-9; Li Y et al. Endocr Relat Cancer, 2020 Sep;27:483-494). This alteration was also identified in an individual with hyperparathyroidism (van der Tuin K et al. J Clin Endocrinol Metab, 2017 Dec;102:4534-4540). This variant is considered to be rare based on population cohorts in the Genome Aggregation Database (gnomAD). This alteration is expected to result in loss of function by premature protein truncation or nonsense-mediated mRNA decay. As such, this alteration is interpreted as a disease-causing mutation.

GeneDx
Classification: Pathogenic. Last evaluated: 2016-10-20. Review status: criteria provided, single submitter. Criteria: GeneDx Variant Classification (06012015). Collection method: clinical testing. Allele origin: germline. Affected: yes.
Comment: The R76X nonsense variant in the CDC73 gene has been reported previously in association with hyperparathyroidism-jaw tumor syndrome (HPT-JT), as well as parathyroid tumors (Newey et al., 2010; Cavaco et al., 2011; Mehta et al., 2014). This pathogenic variant is predicted to cause loss of normal protein function either through protein truncation or nonsense-mediated mRNA decay. The presence of R76X is consistent with a diagnosis of a CDC73-related disorder

Neuberg Centre For Genomic Medicine, NCGM
Classification: Pathogenic for Hyperparathyroidism 2 with jaw tumors. Review status: criteria provided, single submitter. Criteria: ACMG Guidelines, 2015. Collection method: clinical testing. Allele origin: germline. Inheritance: Autosomal dominant inheritance. Affected: yes.
Comment: This sequence change creates a premature translational stop signal (p.Arg76*) in the CDC73 gene. It is expected to result in an absent or disrupted protein product. Loss-of-function variants in CDC73 are known to be pathogenic (Carpten JD, et al., 2002). For these reasons, this variant has been classified as Pathogenic.

Literature cited by the submitters: PubMed 12434154 (cited by Labcorp Genetics (formerly Invitae), Labcorp); PubMed 21360064 (cited by Labcorp Genetics (formerly Invitae), Labcorp and Ambry Genetics); PubMed 21732217 (cited by Labcorp Genetics (formerly Invitae), Labcorp and Ambry Genetics); PubMed 25444225 (cited by Labcorp Genetics (formerly Invitae), Labcorp); PubMed 29040582 (cited by Labcorp Genetics (formerly Invitae), Labcorp and Ambry Genetics); PubMed 32590342 (cited by Ambry Genetics).